The following is an entry in ClinVar:

NM_001365999.1(SZT2):c.1457G>A (p.Arg486His)

Gene: SZT2 (SZT2 subunit of KICSTOR complex; plus strand). Cytogenetic location: 1p34.2.
Variant type: single nucleotide variant.
Coding change: c.1457G>A on transcript NM_001365999.1 (MANE Select); coding-DNA position 1457, G replaced by A.
Protein change: p.Arg486His; replaces arginine 486 with histidine.
Molecular consequence: missense variant.
Genome position (GRCh38, 1-based): chr1:43,420,944, G>A. VCF-style: chr1-43420944-G-A. GRCh37 (hg19) VCF-style: chr1-43886615-G-A.
Other names: c.1457G>A, p.Arg486His (NM_015284.4); short protein forms R486H.
Identifiers: ClinVar variation 1467640 (VCV001467640.6), dbSNP rs1409442730, ClinGen allele CA340007758.

ClinVar aggregate classification (germline): Uncertain significance (1 of 4 stars; one submission).

Allele frequency attached by ClinVar (database versions not stated): gnomAD exomes below 0.00001.
gnomAD v4.1: 5 of 1,598,398 alleles (0.00031%); highest among the groups gnomAD compares: Non-Finnish European, 0.00034%; no homozygotes.

Submission:

Labcorp Genetics (formerly Invitae), Labcorp
Classification: Uncertain significance. Last evaluated: 2023-11-27. Review status: criteria provided, single submitter. Criteria: Invitae Variant Classification Sherloc (09022015). Collection method: clinical testing. Allele origin: germline.
Comment: This sequence change replaces arginine, which is basic and polar, with histidine, which is basic and polar, at codon 486 of the SZT2 protein (p.Arg486His). This variant is present in population databases (no rsID available, gnomAD 0.001%). This variant has not been reported in the literature in individuals affected with SZT2-related conditions. ClinVar contains an entry for this variant (Variation ID: 1467640). Advanced modeling of protein sequence and biophysical properties (such as structural, functional, and spatial information, amino acid conservation, physicochemical variation, residue mobility, and thermodynamic stability) performed at Invitae indicates that this missense variant is expected to disrupt SZT2 protein function with a positive predictive value of 80%. In summary, the available evidence is currently insufficient to determine the role of this variant in disease. Therefore, it has been classified as a Variant of Uncertain Significance.